The following is an entry in ClinVar:

ClinVar aggregate classification (germline): Uncertain significance (1 of 4 stars; one submission).

Conditions:
Congenital contractural arachnodactyly (CCA). Also called: BEALS SYNDROME; Beals-Hecht syndrome; Arthrogryposis, distal, type 9. Identifiers: Orphanet 115, MedGen C0220668, MONDO:0007363, OMIM 121050.

gnomAD v4.1: 3 of 1,612,134 alleles (0.00019%); highest among the groups gnomAD compares: Admixed American, 0.0017%; no homozygotes.

Submission:

Labcorp Genetics (formerly Invitae), Labcorp
Classification: Uncertain significance for Congenital contractural arachnodactyly. Last evaluated: 2024-11-11. Review status: criteria provided, single submitter. Criteria: Invitae Variant Classification Sherloc (09022015). Collection method: clinical testing. Allele origin: germline.
Comment: This sequence change falls in intron 35 of the FBN2 gene. It does not directly change the encoded amino acid sequence of the FBN2 protein. This variant is not present in population databases (gnomAD no frequency). This variant has not been reported in the literature in individuals affected with FBN2-related conditions. Algorithms developed to predict the effect of sequence changes on RNA splicing suggest that this variant may create or strengthen a splice site. In summary, the available evidence is currently insufficient to determine the role of this variant in disease. Therefore, it has been classified as a Variant of Uncertain Significance.

NM_001999.4(FBN2):c.4594+8C>G

Gene: FBN2 (fibrillin 2; minus strand). Cytogenetic location: 5q23.3.
Variant type: single nucleotide variant.
Coding change: c.4594+8C>G on transcript NM_001999.4 (MANE Select); 8 bases into the intron after coding-DNA position 4594, C replaced by G.
Molecular consequence: intron variant.
Genome position (GRCh38, 1-based): chr5:128,318,871, G>C on the plus strand (C>G on the coding strand, the complement: FBN2 is on the minus strand). VCF-style: chr5-128318871-G-C. GRCh37 (hg19) VCF-style: chr5-127654563-G-C.
Identifiers: ClinVar variation 3668867 (VCV003668867.2).